The following is an entry in ClinVar:

ClinVar aggregate classification (germline): Likely benign. Review status: criteria provided, multiple submitters, no conflicts (2 of 4 stars). 2 submissions from 2 submitters: Likely benign (2). Last evaluated 2018-01-13.

Conditions:
Dilated cardiomyopathy 1DD (CMD1DD). Identifiers: Orphanet 154, MedGen C2750995, MONDO:0013168, OMIM 613172.

Allele frequency attached by ClinVar (database versions not stated): 1000 Genomes Project 30x 0.01374; 1000 Genomes Project 0.01378; TOPMed 0.02670; gnomAD 0.02975 and 0.03119; gnomAD exomes 0.03081.
gnomAD v4.1: 4,769 of 157,944 alleles (3%); highest among the groups gnomAD compares: Non-Finnish European, 4.4%; 109 homozygotes.

Submissions (2):

Illumina Laboratory Services, Illumina
Classification: Likely benign for Dilated cardiomyopathy 1DD. Last evaluated: 2018-01-13. Review status: criteria provided, single submitter. Criteria: ICSL Variant Classification Criteria 13 December 2019. Collection method: clinical testing. Allele origin: germline.
Comment: This variant was observed in the ICSL laboratory as part of a predisposition screen in an ostensibly healthy population. It had not been previously curated by ICSL or reported in the Human Gene Mutation Database (HGMD: prior to June 1st, 2018), and was therefore a candidate for classification through an automated scoring system. Utilizing variant allele frequency, disease prevalence and penetrance estimates, and inheritance mode, an automated score was calculated to assess if this variant is too frequent to cause the disease. Based on the score and internal cut-off values, a variant classified as likely benign is not then subjected to further curation. The score for this variant resulted in a classification of likely benign for this disease.

Breakthrough Genomics
Classification: Likely benign. Review status: criteria provided, single submitter. Criteria: ACMG Guidelines, 2015. Collection method: not provided. Allele origin: germline. Inheritance: Autosomal dominant inheritance. Affected: yes.

NM_001134363.3(RBM20):c.*386T>C

Gene: RBM20 (RNA binding motif protein 20; plus strand). Cytogenetic location: 10q25.2.
Variant type: single nucleotide variant.
Coding change: c.*386T>C on transcript NM_001134363.3 (MANE Select); 386 bases downstream of the stop codon, T replaced by C.
Molecular consequence: 3 prime UTR variant.
Genome position (GRCh38, 1-based): chr10:110,836,364, T>C. VCF-style: chr10-110836364-T-C. GRCh37 (hg19) VCF-style: chr10-112596122-T-C.
Other names: c.*386T>C (LRG_382t1).
Identifiers: ClinVar variation 298808 (VCV000298808.6), dbSNP rs77555440, ClinGen allele CA10634930.